The following is an entry in ClinVar:

ClinVar aggregate classification (germline): Conflicting classifications of pathogenicity. Review status: criteria provided, conflicting classifications (1 of 4 stars). 7 submissions from 7 submitters: Uncertain significance (4); Likely benign (3). Last evaluated 2026-08-19.

Conditions:
TTN-related disorder. Also called: TTN-related condition; TTN-related disease; TTN-related disorders.
Cardiovascular phenotype. Identifiers: MedGen CN230736.
Cardiomyopathy (CMYO). Also called: Cardiomyopathies. Identifiers: Orphanet 167848, MedGen C0878544, MONDO:0004994, HP:0001638. Inheritance: Various modes of inheritance.

Allele frequency attached by ClinVar (database versions not stated): gnomAD exomes 0.00002; ExAC 0.00005; TOPMed 0.00008; gnomAD 0.00011 and 0.00012; ESP Exome Variant Server 0.00040.
gnomAD v4.1: 54 of 1,613,804 alleles (0.0033%); highest among the groups gnomAD compares: African/African-American, 0.031%; no homozygotes.

Submissions (7):

PreventionGenetics, part of Exact Sciences
Classification: Uncertain significance for TTN-related condition. Last evaluated: 2026-08-19. Review status: criteria provided, single submitter. Criteria: ACMG Guidelines, 2015. Collection method: clinical testing. Allele origin: germline.
Comment: The TTN c.90227C>T variant is predicted to result in the amino acid substitution p.Thr30076Met. This variant has been reported in a cohort of individuals with dilated cardiomyopathy (Table S4, Franaszczyk et al. 2017. PubMed ID: 28045975). This variant is reported in 0.029% of alleles in individuals of African descent in gnomAD. At this time, the clinical significance of this variant is uncertain due to the absence of conclusive functional and genetic evidence.

Blueprint Genetics
Classification: Likely benign. Last evaluated: 2024-03-01. Review status: criteria provided, single submitter. Criteria: ACMG Guidelines, 2015. Collection method: clinical testing. Allele origin: germline.

CHEO Genetics Diagnostic Laboratory, Children's Hospital of Eastern Ontario
Classification: Likely benign for Cardiomyopathy. Last evaluated: 2022-03-31. Review status: criteria provided, single submitter. Criteria: ACMG Guidelines, 2015. Collection method: clinical testing. Allele origin: germline.

GeneDx
Classification: Likely benign. Last evaluated: 2021-04-01. Review status: criteria provided, single submitter. Criteria: GeneDx Variant Classification Process June 2021. Collection method: clinical testing. Allele origin: germline. Affected: yes.

Ambry Genetics
Classification: Uncertain significance for Cardiovascular phenotype. Last evaluated: 2019-10-23. Review status: criteria provided, single submitter. Criteria: Ambry Variant Classification Scheme 2023. Collection method: clinical testing. Allele origin: germline.
Comment: The p.T21011M variant (also known as c.63032C>T), located in coding exon 162 of the TTN gene, results from a C to T substitution at nucleotide position 63032. The threonine at codon 21011 is replaced by methionine, an amino acid with similar properties. This amino acid position is not well conserved in available vertebrate species. In addition, this alteration is predicted to be tolerated by in silico analysis. Since supporting evidence is limited at this time, the clinical significance of this alteration remains unclear.

Eurofins Ntd Llc (ga)
Classification: Uncertain significance. Last evaluated: 2018-07-03. Review status: criteria provided, single submitter. Criteria: EGL ClinVar v180209 classification definitions. Collection method: clinical testing. Allele origin: germline. Observed: 1 variant allele, 1 heterozygote.

Laboratory for Molecular Medicine, Mass General Brigham Personalized Medicine
Classification: Uncertain significance. Last evaluated: 2013-04-12. Review status: criteria provided, single submitter. Criteria: LMM Criteria. Collection method: clinical testing. Allele origin: germline. Observed: 1 variant allele.
Comment: Variant classified as Uncertain Significance - Favor Benign. The Thr27508Met var iant in TTN has not been reported in individuals with cardiomyopathy, but has be en identified in 2/8340 European American chromosomes and 3/4086 African America n chromosomes by the NHLBI Exome Sequencing Project (u/EVS/; dbSNP rs201998913). Computational analyses (biochemical amino acid prope rties, conservation, AlignGVGD, PolyPhen2, and SIFT) suggest that this variant m ay not impact the protein and one mammal (dog) actually carries a methionine (Me t; this variant) at position 27508, though this information is not predictive en ough to rule out pathogenicity. In summary, the frequency of this variant and it s presence in another mammal suggest that it is more likely benign, but addition al information is needed to fully assess the clinical significance of this varia nt.

NM_001267550.2(TTN):c.90227C>T (p.Thr30076Met)

Genes: TTN (titin; minus strand), TTN-AS1 (TTN antisense RNA 1; plus strand). Cytogenetic location: 2q31.2.
Variant type: single nucleotide variant.
Coding change: c.90227C>T on transcript NM_001267550.2 (MANE Select); coding-DNA position 90227, C replaced by T.
Protein change: p.Thr30076Met; replaces threonine 30076 with methionine.
Molecular consequence: missense variant.
Genome position (GRCh38, 1-based): chr2:178,552,673, G>A on the plus strand (C>T on the coding strand, the complement: TTN is on the minus strand). VCF-style: chr2-178552673-G-A. GRCh37 (hg19) VCF-style: chr2-179417400-G-A.
Other names: c.82523C>T, p.Thr27508Met (NM_133378.4); c.85304C>T, p.Thr28435Met (NM_001256850.1); c.63032C>T, p.Thr21011Met (NM_003319.4); c.63407C>T, p.Thr21136Met (NM_133432.3); c.63608C>T, p.Thr21203Met (NM_133437.4); short protein forms T27508M, T30076M, T21011M, T21136M, T21203M, T28435M.
Identifiers: ClinVar variation 178172 (VCV000178172.18), dbSNP rs201998913, ClinGen allele CA181638.